The following is an entry in ClinVar:

NM_003718.5(CDK13):c.592_600del (p.Pro198_Arg200del)

Genes: CDK13 (cyclin dependent kinase 13; plus strand), LOC129998293 (ATAC-STARR-seq lymphoblastoid silent region 18116; plus strand). Cytogenetic location: 7p14.1.
Variant type: Deletion.
Coding change: c.592_600del on transcript NM_003718.5 (MANE Select); coding-DNA positions 592 to 600, 9 bases deleted (CCCCGCCGG; older notation c.592_600delCCCCGCCGG).
Protein change: p.Pro198_Arg200del.
Molecular consequence: inframe indel (on NM_031267.4).
Genome position (GRCh38, 1-based): chr7:39,951,233-39,951,241, CCCCGCCGG deleted; deleting any 9 consecutive bases within chr7:39,951,231-39,951,241 gives the same sequence; the c. name uses the placement nearest the transcript's 3' end. VCF-style (leftmost placement, unchanged base first): chr7-39951230-AGGCCCCGCC-A. GRCh37 (hg19) VCF-style: chr7-39990829-AGGCCCCGCC-A.
Other names: c.592_600delCCCCGCCGG, p.Pro198_Arg200del (NM_031267.4).
Identifiers: ClinVar variation 2385975 (VCV002385975.2), dbSNP rs983703776, ClinGen allele CA157707184.
Genomic context (GRCh38, chr7:39,951,230, plus strand): 5'-AGCGGCGGGAGTCCGGCCTCCTCCTCCGGCACCCAGCGGCGCGGGGAGGGGTCGGAGCGC[AGGCCCCGCC>A]GGGACCGCCGCAGCAGCAGTGGCCGCAGCAAGGAGCGCCACCGCGAGCACCGGCGGCGGG-3'

ClinVar aggregate classification (germline): Uncertain significance (1 of 4 stars; one submission).

Conditions:
Inborn genetic diseases. Identifiers: MedGen C0950123, MeSH D030342.

Submission:

Ambry Genetics
Classification: Uncertain significance for Inborn genetic diseases. Last evaluated: 2021-02-16. Review status: criteria provided, single submitter. Criteria: Ambry Variant Classification Scheme 2023. Collection method: clinical testing. Allele origin: germline.
Comment: The c.592_600delCCCCGCCGG (p.P198_R200del) alteration is located in exon 1 (coding exon 1) of the CDK13 gene. This alteration consists of an in-frame deletion of 9 nucleotides between nucleotide positions c.592 and c.600, resulting in the deletion of 3 residues. Based on insufficient or conflicting evidence, the clinical significance of this alteration remains unclear.